The following is an entry in ClinVar:

ClinVar aggregate classification (germline): Uncertain significance (1 of 4 stars; one submission).

Conditions:
Primary ciliary dyskinesia 32. Also called: CILIARY DYSKINESIA, PRIMARY, 32, WITHOUT SITUS INVERSUS. Identifiers: Orphanet 244, MedGen C4225311, MONDO:0014657, OMIM 616481.

Allele frequency attached by ClinVar (database versions not stated): gnomAD exomes below 0.00001; ExAC 0.00001.
gnomAD v4.1: 1 of 1,613,900 alleles (0.000062%); no homozygotes.

Submission:

Labcorp Genetics (formerly Invitae), Labcorp
Classification: Uncertain significance for Primary ciliary dyskinesia 32. Last evaluated: 2022-11-01. Review status: criteria provided, single submitter. Criteria: Invitae Variant Classification Sherloc (09022015). Collection method: clinical testing. Allele origin: germline.
Comment: In summary, the available evidence is currently insufficient to determine the role of this variant in disease. Therefore, it has been classified as a Variant of Uncertain Significance. Algorithms developed to predict the effect of missense changes on protein structure and function are either unavailable or do not agree on the potential impact of this missense change (SIFT: "Deleterious"; PolyPhen-2: "Probably Damaging"; Align-GVGD: "Class C0"). ClinVar contains an entry for this variant (Variation ID: 1365780). This variant has not been reported in the literature in individuals affected with RSPH3-related conditions. This variant is present in population databases (rs775524601, gnomAD no frequency). This sequence change replaces lysine, which is basic and polar, with asparagine, which is neutral and polar, at codon 324 of the RSPH3 protein (p.Lys324Asn).

NM_031924.8(RSPH3):c.546G>T (p.Lys182Asn)

Gene: RSPH3 (radial spoke head 3; minus strand). Cytogenetic location: 6q25.3.
Variant type: single nucleotide variant.
Coding change: c.546G>T on transcript NM_031924.8 (MANE Select); coding-DNA position 546, G replaced by T.
Protein change: p.Lys182Asn; replaces lysine 182 with asparagine.
Molecular consequence: missense variant. On other transcripts: non-coding transcript variant (1).
Genome position (GRCh38, 1-based): chr6:158,982,635, C>A on the plus strand (G>T on the coding strand, the complement: RSPH3 is on the minus strand). VCF-style: chr6-158982635-C-A. GRCh37 (hg19) VCF-style: chr6-159403667-C-A.
Other names: c.684G>T, p.Lys228Asn (NM_001346418.1); short protein forms K182N, K228N.
Identifiers: ClinVar variation 1365780 (VCV001365780.6), dbSNP rs775524601, ClinGen allele CA4075872.